The following is an entry in ClinVar:

ClinVar aggregate classification (germline): Uncertain significance. Review status: criteria provided, multiple submitters, no conflicts (2 of 4 stars). 3 submissions from 3 submitters: Uncertain significance (2). 1 of the submissions does not count toward it. Last evaluated 2025-11-02.

Conditions:
Ciliary dyskinesia, primary, 40. Also called: CILIARY DYSKINESIA, PRIMARY, 40, WITH OR WITHOUT SITUS INVERSUS. Identifiers: MedGen C4749028, MONDO:0032664, OMIM 618300.

Allele frequency attached by ClinVar (database versions not stated): ExAC 0.00001; gnomAD 0.00001; gnomAD exomes 0.00001 and 0.00004; TOPMed 0.00001.
gnomAD v4.1: 59 of 1,614,040 alleles (0.0037%); highest among the groups gnomAD compares: Non-Finnish European, 0.0044%; no homozygotes.

Submissions (3):

Labcorp Genetics (formerly Invitae), Labcorp
Classification: Uncertain significance. Last evaluated: 2025-11-02. Review status: criteria provided, single submitter. Criteria: Invitae Variant Classification Sherloc (09022015). Collection method: clinical testing. Allele origin: germline.
Comment: This sequence change replaces arginine, which is basic and polar, with glutamine, which is neutral and polar, at codon 3398 of the DNAH9 protein (p.Arg3398Gln). This variant is present in population databases (rs763238622, gnomAD no frequency). This variant has not been reported in the literature in individuals affected with DNAH9-related conditions. ClinVar contains an entry for this variant (Variation ID: 1049542). Invitae Evidence Modeling of protein sequence and biophysical properties (such as structural, functional, and spatial information, amino acid conservation, physicochemical variation, residue mobility, and thermodynamic stability) indicates that this missense variant is expected to disrupt DNAH9 protein function with a positive predictive value of 80%. In summary, the available evidence is currently insufficient to determine the role of this variant in disease. Therefore, it has been classified as a Variant of Uncertain Significance.

Center for Precision Genome Editing and Genetic Technologies for Biomedicine, Pirogov Russian National Research Medical University
Classification: Uncertain significance for Ciliary dyskinesia, primary, 40. Last evaluated: 2024-09-04. Review status: criteria provided, single submitter. Criteria: ACMG Guidelines, 2015. Collection method: clinical testing. Allele origin: unknown. Inheritance: Autosomal recessive inheritance. Affected: yes. Observed: 1 heterozygote.
Comment: This variant has been detected in control samples with an allele frequency of 0.0000397 and has not been detected in patients with primary ciliary dyskinesia, type 40, so the PM2 criterion applies. An alternative variant, chr17:11871737G>T (Arg3398Leu), is classified as Pathogenic by UniProt Variants, but as Uncertain Significance by the germline classifier, meeting the PM5 criterion. Both BayesDel addAF and BayesDel no AF programs consider the variant to be pathogenic, fulfilling the PP3 criterion. Based on the applied ACMG/AMP criteria (PM5, PM2, PP3), this variant is classified as VUS (Variant of Uncertain Significance) for Primary Ciliary Dyskinesia, Type 40.

Department of Pathology and Laboratory Medicine, Sinai Health System
Classification: Uncertain significance. Review status: no assertion criteria provided. Collection method: clinical testing. Allele origin: unknown. Affected: yes. Study: The Canadian Open Genetics Repository (COGR). Not counted in ClinVar's aggregate classification.
Comment: The DNAH9 p.Arg3398Gln variant was not identified in the literature nor was it identified in ClinVar. The variant was identified in dbSNP (ID: rs763238622) and in control databases in 2 of 251462 chromosomes at a frequency of 0.000007953 (Genome Aggregation Database March 6, 2019, v2.1.1). The variant was observed in the Other population in 2 of 6138 chromosomes (freq: 0.000326), but was not observed in the African, Latino, Ashkenazi Jewish, East Asian, European (Finnish), European (non-Finnish), or South Asian populations. The p.Arg3398 residue is conserved in mammals and computational analyses (PolyPhen-2, SIFT, AlignGVGD, BLOSUM, MutationTaster) provide inconsistent predictions regarding the impact to the protein; this information is not very predictive of pathogenicity. The variant occurs outside of the splicing consensus sequence and in silico or computational prediction software programs (SpliceSiteFinder, MaxEntScan, NNSPLICE, GeneSplicer) do not predict a difference in splicing. In summary, based on the above information the clinical significance of this variant cannot be determined with certainty at this time. This variant is classified as a variant of uncertain significance.

NM_001372.4(DNAH9):c.10193G>A (p.Arg3398Gln)

Gene: DNAH9 (dynein axonemal heavy chain 9; plus strand). Cytogenetic location: 17p12.
Variant type: single nucleotide variant.
Coding change: c.10193G>A on transcript NM_001372.4 (MANE Select); coding-DNA position 10193, G replaced by A.
Protein change: p.Arg3398Gln; replaces arginine 3398 with glutamine.
Molecular consequence: missense variant.
Genome position (GRCh38, 1-based): chr17:11,871,737, G>A. VCF-style: chr17-11871737-G-A. GRCh37 (hg19) VCF-style: chr17-11775054-G-A.
Other names: short protein forms R3398Q.
Identifiers: ClinVar variation 1049542 (VCV001049542.4), dbSNP rs763238622, ClinGen allele CA8397431.
Genomic context (GRCh38, chr17:11,871,737, plus strand): 5'-GAGACATTTTACTTATAACGGCTTTCATTTCCTACCTTGGCTTCTTCACAAAGAAATACC[G>A]GCAGAGCCTCCTGGACAGAACTTGGAGGCCCTACCTGAGCCAGCTGAAAGTACGTATGGC-3'
Protein context (NP_001363.2, residues 3388-3408): SYLGFFTKKY[Arg3398Gln]QSLLDRTWRP